The following is an entry in ClinVar:

ClinVar aggregate classification (germline): Uncertain significance (1 of 4 stars; one submission).

Conditions:
Hereditary cancer-predisposing syndrome. Also called: Tumor predisposition; Neoplastic Syndromes, Hereditary; Hereditary Cancer Syndrome; Hereditary neoplastic syndrome. Identifiers: Orphanet 140162, MedGen C0027672, MeSH D009386, MONDO:0015356.

Submission:

Ambry Genetics
Classification: Uncertain significance for Hereditary cancer-predisposing syndrome. Last evaluated: 2022-02-13. Review status: criteria provided, single submitter. Criteria: Ambry Variant Classification Scheme 2023. Collection method: clinical testing. Allele origin: germline.
Comment: The p.S1032L variant (also known as c.3095C>T), located in coding exon 15 of the APC gene, results from a C to T substitution at nucleotide position 3095. The serine at codon 1032 is replaced by leucine, an amino acid with dissimilar properties. This amino acid position is conserved. In addition, in silico predictors for this gene do not accurately predict pathogenicity. Since supporting evidence is limited at this time, the clinical significance of this alteration remains unclear.

NM_000038.6(APC):c.3095C>T (p.Ser1032Leu)

Gene: APC (APC regulator of Wnt signaling pathway; plus strand). Cytogenetic location: 5q22.2.
Variant type: single nucleotide variant.
Coding change: c.3095C>T on transcript NM_000038.6 (MANE Select); coding-DNA position 3095, C replaced by T.
Protein change: p.Ser1032Leu; replaces serine 1032 with leucine.
Molecular consequence: missense variant.
Genome position (GRCh38, 1-based): chr5:112,838,689, C>T. VCF-style: chr5-112838689-C-T. GRCh37 (hg19) VCF-style: chr5-112174386-C-T.
Other names: c.2246C>T, p.Ser749Leu (NM_001354906.2, NM_001407470.1); c.3149C>T, p.Ser1050Leu (NM_001407447.1, NM_001407448.1, NM_001407449.1 and 1 more transcripts); c.3095C>T, p.Ser1032Leu (NM_001407450.1, NM_001127510.3, NM_001354895.2); c.3179C>T, p.Ser1060Leu (NM_001407446.1); c.3041C>T, p.Ser1014Leu (NM_001127511.3); c.3125C>T, p.Ser1042Leu (NM_001354897.2); c.3020C>T, p.Ser1007Leu (NM_001354898.2); c.3011C>T, p.Ser1004Leu (NM_001354899.2); and 11 more; short protein forms S1007L, S1050L, S749L, S931L, S1032L, S872L, S906L, S949L.
Identifiers: ClinVar variation 1727503 (VCV001727503.2), dbSNP rs2149884210, ClinGen allele CA16028114.
Genomic context (GRCh38, chr5:112,838,689, plus strand): 5'-ATCATATGGATGATAATGATGGAGAACTAGATACACCAATAAATTATAGTCTTAAATATT[C>T]AGATGAGCAGTTGAACTCTGGAAGGCAAAGTCCTTCACAGAATGAAAGATGGGCAAGACC-3'
Protein context (NP_000029.2, residues 1022-1042): DTPINYSLKY[Ser1032Leu]DEQLNSGRQS